The following continues an entry in ClinVar:

NM_000138.5(FBN1):c.7852G>A (p.Gly2618Arg)

Gene: FBN1. ClinVar aggregate classification (germline): Conflicting classifications of pathogenicity. Uncertain significance (9); Likely benign (5).

Submissions 8 to 15 of 15:

Victorian Clinical Genetics Services, Murdoch Childrens Research Institute
Classification: Uncertain significance for Marfan syndrome. Last evaluated: 2022-03-31. Review status: criteria provided, single submitter. Criteria: ACMG Guidelines, 2015. Collection method: clinical testing. Allele origin: germline. Inheritance: Autosomal dominant inheritance. Affected: yes.
Comment: Based on the classification scheme VCGS_Germline_v1.3.4, this variant is classified as VUS-3C. Following criteria are met: 0103 - Dominant negative and loss of function are known mechanisms of disease in this gene and are associated with FBN1-related disease. Variants predicted to result in nonsense mediated decay cause loss of function effects, and are more commonly associated with severe Marfan syndrome (MIM#154700). Missense variants with both dominant negative and loss of function effects on protein function, are associated with Marfan syndrome and ectopia lentis (MIM#129600) (OMIM, PMID: 29357934). The exact genotype-phenotype correlation for this gene is still unclear, and is compounded by variable expressivity (PMID: 20301510). (I) 0107 - This gene is predominantly associated with autosomal dominant disease; autosomal recessive forms of Marfan syndrome have been reported infrequently (PMID: 27274304; 31950671). 0115 - Variants in this gene are known to have variable expressivity. The genotype-phenotype correlations for this gene are unclear, with single variants reported in patients with a range of phenotypes (PMID: 20301510, OMIM). (I) 0200 - Variant is predicted to result in a missense amino acid change from glycine to arginine. (I) 0251 - This variant is heterozygous. (I) 0302 - Variant is present in gnomAD (v2) <0.001 for a dominant condition (55 heterozygotes, 0 homozygotes). (SP) 0501 - Missense variant consistently predicted to be damaging by multiple in silico tools or highly conserved with a major amino acid change. (SP) 0600 - Variant is located in the annotated calcium-binding EGF domain. (I) 0705 - No comparable missense variants have previous evidence for pathogenicity. (I) 0809 - Previous evidence of pathogenicity for this variant is inconclusive. This variant has been reported many times as a VUS, and observed in at least six individuals with features of Marfan syndrome, and several others with thoracic aortic dissection. However, none fullfilled Ghent criteria (ClinVar, PMID: 31227806, PMID: 27106435). It was also seen in six individuals from a large biobank cohort, where only two had a cardiovascular phenotype (PMID: 31211626). (I) Legend: (SP) - Supporting pathogenic, (I) - Information, (SB) - Supporting benign

Fulgent Genetics
Classification: Uncertain significance for Acromicric dysplasia; Ectopia lentis 1, isolated, autosomal dominant; Marfan syndrome; Stiff skin syndrome; MASS syndrome; Weill-Marchesani syndrome 2, dominant; Geleophysic dysplasia 2; Progeroid and marfanoid aspect-lipodystrophy syndrome. Last evaluated: 2021-10-05. Review status: criteria provided, single submitter. Criteria: ACMG Guidelines, 2015. Collection method: clinical testing. Allele origin: unknown.

Laboratory for Molecular Medicine, Mass General Brigham Personalized Medicine
Classification: Uncertain significance for Marfan syndrome. Last evaluated: 2021-09-07. Review status: criteria provided, single submitter. Criteria: ACMG Guidelines, 2015. Collection method: clinical testing. Allele origin: germline.
Comment: The p.Gly2618Arg variant in FBN1 has been reported in at least six individuals with clinical features of Marfan syndrome (Loeys 2001 PMID: 11700157, Mátyás 2002 PMID: 11933199, Comeglio 2007 PMID: 17657824, Turner 2009 PMID: 19161152, Campens 2015 PMID: 25644172, LMM data) but has also been reported in apparently healthy individuals in population biobanks and in individuals not meeting diagnostic criteria for Marfan syndrome (Groth 2016 PMID: 25812041, Damrauer 2019 PMID: 31211626). Moreover, it has been identified in 0.05% (15/30616) of South Asian chromosomes by gnomAD. Computational prediction tools and conservation analysis suggest that this variant may impact the protein, though this information is not predictive enough to determine pathogenicity. In summary, while the clinical significance of this variant is uncertain, these data and the variant frequency suggest that it is more likely to be benign. ACMG/AMP Criteria applied: BS1, PP3.

Johns Hopkins Genomics, Johns Hopkins University
Classification: Uncertain significance for Marfan syndrome. Last evaluated: 2020-06-10. Review status: criteria provided, single submitter. Criteria: ACMG Guidelines, 2015. Collection method: clinical testing. Allele origin: germline.
Comment: This variant has been reported in multiple patients with a suspected or confirmed diagnosis of Marfan syndrome or a related disorder. FBN1 c.7852G>A (rs141133182) is rare (<0.1%) in a large population dataset (gnomAD: 55/282620 total alleles; 0.02%; no homozygotes). This variant has been reported in ClinVar. Three bioinformatic tools queried7,8 predict that this substitution would be damaging, and the glycine residue at this position is highly evolutionarily conserved across all species assessed9. We consider the clinical significance of c.7852G>A to be uncertain at this time.

SIB Swiss Institute of Bioinformatics
Classification: Uncertain significance for Marfan syndrome. Last evaluated: 2018-05-31. Review status: criteria provided, single submitter. Criteria: ACMG Guidelines, 2015. Collection method: curation. Allele origin: unknown.
Comment: This variant is interpreted as a Uncertain Significance - Conflicting Evidence, for Marfan syndrome, in Autosomal Dominant manner. The following ACMG Tag(s) were applied: PP3 => Multiple lines of computational evidence support a deleterious effect on the gene or gene product. BS2 => Observed in a healthy adult individual for a recessive (homozygous), dominant (heterozygous), or X-linked (hemizygous) disorder, with full penetrance expected at an early age. BP2 => Observed in trans with a pathogenic variant for a fully penetrant dominant gene/disorder or observed in cis with a pathogenic variant in any inheritance pattern (PMID:25652356).

ARUP Laboratories, Molecular Genetics and Genomics, ARUP Laboratories
Classification: Uncertain significance. Last evaluated: 2017-02-24. Review status: criteria provided, single submitter. Criteria: ARUP Molecular Germline Variant Investigation Process. Collection method: clinical testing. Allele origin: germline.

CSER _CC_NCGL, University of Washington
Classification: Uncertain significance for Marfan syndrome. Last evaluated: 2016-10-01. Review status: criteria provided, single submitter. Criteria: Amendola et al. (Genome Res. 2015). Collection method: research. Allele origin: germline. Affected: no. Study: CSER - NEXT Medicine variant annotation.
Comment: This interpretation considers GERP score and allele frequency data, in addition to published reports of the variant in the literature, available at the time of review.

Center for Medical Genetics Ghent, University of Ghent
Classification: Uncertain significance for Marfan syndrome. Last evaluated: 2017-11-07. Review status: no assertion criteria provided. Collection method: clinical testing. Allele origin: germline. Affected: yes. Not counted in ClinVar's aggregate classification.

Literature cited by the submitters: PubMed 12203992 (cited by Women's Health and Genetics/Laboratory Corporation of America, LabCorp); PubMed 11700157 (cited by 5 submitters); PubMed 11933199 (cited by 3 submitters); PubMed 17657824 (cited by 4 submitters); PubMed 17627385 (cited by 3 submitters); PubMed 19161152 (cited by 4 submitters); PubMed 24941995 (cited by 3 submitters); PubMed 25652356 (cited by 5 submitters); PubMed 25637381 (cited by Women's Health and Genetics/Laboratory Corporation of America, LabCorp and Laboratory for Molecular Medicine, Mass General Brigham Personalized Medicine); PubMed 25944730 (cited by Women's Health and Genetics/Laboratory Corporation of America, LabCorp and Johns Hopkins Genomics, Johns Hopkins University); PubMed 25812041 (cited by 3 submitters); PubMed 19780835 (cited by Women's Health and Genetics/Laboratory Corporation of America, LabCorp); PubMed 25644172 (cited by 5 submitters); PubMed 26498160 (cited by Women's Health and Genetics/Laboratory Corporation of America, LabCorp and Ambry Genetics); PubMed 27647783 (cited by Women's Health and Genetics/Laboratory Corporation of America, LabCorp); PubMed 28301460 (cited by Women's Health and Genetics/Laboratory Corporation of America, LabCorp); PubMed 31211626 (cited by 4 submitters); NCBI Bookshelf NBK1335 (cited by Victorian Clinical Genetics Services, Murdoch Childrens Research Institute); PubMed 20301510 (cited by Victorian Clinical Genetics Services, Murdoch Childrens Research Institute); PubMed 27106435 (cited by Victorian Clinical Genetics Services, Murdoch Childrens Research Institute); PubMed 27274304 (cited by Victorian Clinical Genetics Services, Murdoch Childrens Research Institute); PubMed 29357934 (cited by Victorian Clinical Genetics Services, Murdoch Childrens Research Institute); PubMed 31227806 (cited by Victorian Clinical Genetics Services, Murdoch Childrens Research Institute); PubMed 31950671 (cited by Victorian Clinical Genetics Services, Murdoch Childrens Research Institute).